The following is an entry in ClinVar:

NM_024649.5(BBS1):c.159+1G>A

Gene: BBS1 (Bardet-Biedl syndrome 1; plus strand). Cytogenetic location: 11q13.2.
Variant type: single nucleotide variant.
Coding change: c.159+1G>A on transcript NM_024649.5 (MANE Select); the canonical splice donor site of the intron after coding-DNA position 159, G replaced by A.
Molecular consequence: splice donor variant.
Genome position (GRCh38, 1-based): chr11:66,511,240, G>A. VCF-style: chr11-66511240-G-A. GRCh37 (hg19) VCF-style: chr11-66278711-G-A.
Identifiers: ClinVar variation 2025633 (VCV002025633.5), dbSNP rs2495728996, ClinGen allele CA381454191.

ClinVar aggregate classification (germline): Likely pathogenic. Review status: criteria provided, multiple submitters, no conflicts (2 of 4 stars). 2 submissions from 2 submitters: Likely pathogenic (2). Last evaluated 2026-01-26.

Conditions:
Bardet-Biedl syndrome (BBS). Identifiers: Orphanet 110, MedGen C0752166, MONDO:0015229.
BBS1-related disorder. Also called: BBS1-related condition.

Submissions (2):

Labcorp Genetics (formerly Invitae), Labcorp
Classification: Likely pathogenic for Bardet-Biedl syndrome. Last evaluated: 2026-01-26. Review status: criteria provided, single submitter. Criteria: Invitae Variant Classification Sherloc (09022015). Collection method: clinical testing. Allele origin: germline.
Comment: This sequence change affects a donor splice site in intron 3 of the BBS1 gene. It is expected to disrupt RNA splicing. Variants that disrupt the donor or acceptor splice site typically lead to a loss of protein function (PMID: 16199547), and loss-of-function variants in BBS1 are known to be pathogenic (PMID: 12118255, 21520335, 27032803). This variant is not present in population databases (gnomAD no frequency). This variant has not been reported in the literature in individuals affected with BBS1-related conditions. ClinVar contains an entry for this variant (Variation ID: 2025633). Algorithms developed to predict the effect of sequence changes on RNA splicing suggest that this variant may disrupt the consensus splice site. In summary, the currently available evidence indicates that the variant is pathogenic, but additional data are needed to prove that conclusively. Therefore, this variant has been classified as Likely Pathogenic.

Blueprint Genetics
Classification: Likely pathogenic for BBS1-related disorders. Last evaluated: 2021-12-16. Review status: criteria provided, single submitter. Criteria: ACMG Guidelines, 2015. Collection method: clinical testing. Allele origin: germline. Affected: yes. Observed: 1 variant allele.

Literature cited by the submitters: PubMed 16199547 (cited by Labcorp Genetics (formerly Invitae), Labcorp); PubMed 12118255 (cited by Labcorp Genetics (formerly Invitae), Labcorp); PubMed 21520335 (cited by Labcorp Genetics (formerly Invitae), Labcorp); PubMed 27032803 (cited by Labcorp Genetics (formerly Invitae), Labcorp).